The following is an entry in ClinVar:

ClinVar aggregate classification (germline): Uncertain significance (1 of 4 stars; one submission).

Submission:

Labcorp Genetics (formerly Invitae), Labcorp
Classification: Uncertain significance. Last evaluated: 2022-09-23. Review status: criteria provided, single submitter. Criteria: Invitae Variant Classification Sherloc (09022015). Collection method: clinical testing. Allele origin: germline.
Comment: In summary, the available evidence is currently insufficient to determine the role of this variant in disease. Therefore, it has been classified as a Variant of Uncertain Significance. This sequence change replaces threonine, which is neutral and polar, with asparagine, which is neutral and polar, at codon 219 of the KARS protein (p.Thr219Asn). This variant is not present in population databases (gnomAD no frequency). This missense change has been observed in individual(s) with clinical features of KARS-related conditions (Invitae). Algorithms developed to predict the effect of missense changes on protein structure and function (SIFT, PolyPhen-2, Align-GVGD) all suggest that this variant is likely to be disruptive.

NM_005548.3(KARS1):c.572C>A (p.Thr191Asn)

Gene: KARS1 (lysyl-tRNA synthetase 1; minus strand). Cytogenetic location: 16q23.1.
Variant type: single nucleotide variant.
Coding change: c.572C>A on transcript NM_005548.3 (MANE Select); coding-DNA position 572, C replaced by A.
Protein change: p.Thr191Asn; replaces threonine 191 with asparagine.
Molecular consequence: missense variant.
Genome position (GRCh38, 1-based): chr16:75,636,009, G>T on the plus strand (C>A on the coding strand, the complement: KARS1 is on the minus strand). VCF-style: chr16-75636009-G-T. GRCh37 (hg19) VCF-style: chr16-75669907-G-T.
Other names: c.656C>A, p.Thr219Asn (NM_001130089.2); c.104C>A, p.Thr35Asn (NM_001378148.1); short protein forms T219N, T191N, T35N.
Identifiers: ClinVar variation 2001184 (VCV002001184.4), dbSNP rs770576812, ClinGen allele CA396813835.